The following is an entry in ClinVar:

NM_001079843.3(CASZ1):c.1972G>A (p.Gly658Ser)

Gene: CASZ1 (castor zinc finger 1; minus strand). Cytogenetic location: 1p36.22.
Variant type: single nucleotide variant.
Coding change: c.1972G>A on transcript NM_001079843.3 (MANE Select); coding-DNA position 1972, G replaced by A.
Protein change: p.Gly658Ser; replaces glycine 658 with serine.
Molecular consequence: missense variant.
Genome position (GRCh38, 1-based): chr1:10,654,085, C>T on the plus strand (G>A on the coding strand, the complement: CASZ1 is on the minus strand). VCF-style: chr1-10654085-C-T. GRCh37 (hg19) VCF-style: chr1-10714142-C-T.
Other names: c.1972G>A, p.Gly658Ser (NM_017766.5); short protein forms G658S.
Identifiers: ClinVar variation 3729443 (VCV003729443.2).

ClinVar aggregate classification (germline): Uncertain significance (1 of 4 stars; one submission).

Submission:

Labcorp Genetics (formerly Invitae), Labcorp
Classification: Uncertain significance. Last evaluated: 2025-01-29. Review status: criteria provided, single submitter. Criteria: Invitae Variant Classification Sherloc (09022015). Collection method: clinical testing. Allele origin: germline.
Comment: This sequence change replaces glycine, which is neutral and non-polar, with serine, which is neutral and polar, at codon 658 of the CASZ1 protein (p.Gly658Ser). This variant is not present in population databases (gnomAD no frequency). This variant has not been reported in the literature in individuals affected with CASZ1-related conditions. An algorithm developed to predict the effect of missense changes on protein structure and function (PolyPhen-2) suggests that this variant is likely to be disruptive. In summary, the available evidence is currently insufficient to determine the role of this variant in disease. Therefore, it has been classified as a Variant of Uncertain Significance.